The following is an entry in ClinVar:

ClinVar aggregate classification (germline): Benign. Review status: criteria provided, multiple submitters, no conflicts (2 of 4 stars). 3 submissions from 3 submitters: Benign (2). 1 of the submissions does not count toward it. Last evaluated 2026-02-03.

Conditions:
PLXNA2-related disorder. Also called: PLXNA2-related condition.

Allele frequency attached by ClinVar (database versions not stated): ESP Exome Variant Server 0.33093; TOPMed 0.33463; gnomAD exomes 0.33514 and 0.34375; gnomAD 0.33622 and 0.33374; ExAC 0.35210; 1000 Genomes Project 0.36462; 1000 Genomes Project 30x 0.36836.
gnomAD v4.1: 538,781 of 1,609,498 alleles (33%); highest among the groups gnomAD compares: East Asian, 45%; 91,366 homozygotes.

Submissions (3):

Labcorp Genetics (formerly Invitae), Labcorp
Classification: Benign. Last evaluated: 2026-02-03. Review status: criteria provided, single submitter. Criteria: Invitae Variant Classification Sherloc (09022015). Collection method: clinical testing. Allele origin: germline.

Breakthrough Genomics
Classification: Benign. Review status: criteria provided, single submitter. Criteria: ACMG Guidelines, 2015. Collection method: not provided. Allele origin: germline. Inheritance: Unknown mechanism. Affected: yes.

PreventionGenetics, part of Exact Sciences
Classification: Benign for PLXNA2-related condition. Last evaluated: 2022-04-11. Review status: no assertion criteria provided. Collection method: clinical testing. Allele origin: germline. Not counted in ClinVar's aggregate classification.
Comment: This variant is classified as benign based on ACMG/AMP sequence variant interpretation guidelines (Richards et al. 2015 PMID: 25741868, with internal and published modifications).

NM_025179.4(PLXNA2):c.14G>A (p.Arg5Gln)

Gene: PLXNA2 (plexin A2; minus strand). Cytogenetic location: 1q32.2.
Variant type: single nucleotide variant.
Coding change: c.14G>A on transcript NM_025179.4 (MANE Select); coding-DNA position 14, G replaced by A.
Protein change: p.Arg5Gln; replaces arginine 5 with glutamine.
Molecular consequence: missense variant.
Genome position (GRCh38, 1-based): chr1:208,217,909, C>T on the plus strand (G>A on the coding strand, the complement: PLXNA2 is on the minus strand). VCF-style: chr1-208217909-C-T. GRCh37 (hg19) VCF-style: chr1-208391254-C-T.
Other names: c.14G>A (NM_025179.3); short protein forms R5Q.
Identifiers: ClinVar variation 1164722 (VCV001164722.12), dbSNP rs2782948, ClinGen allele CA1374154.